The following is an entry in ClinVar:

ClinVar aggregate classification (germline): Benign (1 of 4 stars; one submission).

Conditions:
Woodhouse-Sakati syndrome. Also called: Hypogonadism, Alopecia, Diabetes Mellitus, Mental Retardation, and Extrapyramidal Syndrome; Hypogonadism, diabetes mellitus, alopecia, mental retardation and electrocardiographic abnormalities; EXTRAPYRAMIDAL DISORDER, PROGRESSIVE, WITH PRIMARY HYPOGONADISM, MENTAL RETARDATION, AND ALOPECIA. Identifiers: Orphanet 3464, MedGen C0342286, MONDO:0009419, OMIM 241080.

Allele frequency attached by ClinVar (database versions not stated): 1000 Genomes Project 30x 0.00016; 1000 Genomes Project 0.00020; ExAC 0.00046; TOPMed 0.00049; gnomAD 0.00050 and 0.00051; gnomAD exomes 0.00065 and 0.00079.
gnomAD v4.1: 306 of 454,102 alleles (0.067%); highest among the groups gnomAD compares: Non-Finnish European, 0.1%; 2 homozygotes.

Submission:

Illumina Laboratory Services, Illumina
Classification: Benign for Woodhouse-Sakati syndrome. Last evaluated: 2018-01-13. Review status: criteria provided, single submitter. Criteria: ICSL Variant Classification Criteria 13 December 2019. Collection method: clinical testing. Allele origin: germline.
Comment: This variant was observed in the ICSL laboratory as part of a predisposition screen in an ostensibly healthy population. It had not been previously curated by ICSL or reported in the Human Gene Mutation Database (HGMD: prior to June 1st, 2018), and was therefore a candidate for classification through an automated scoring system. Utilizing variant allele frequency, disease prevalence and penetrance estimates, and inheritance mode, an automated score was calculated to assess if this variant is too frequent to cause the disease. Based on the score and internal cut-off values, a variant classified as benign is not then subjected to further curation. The score for this variant resulted in a classification of benign for this disease.

NM_025000.4(DCAF17):c.*1965A>G

Gene: DCAF17 (DDB1 and CUL4 associated factor 17; plus strand). Cytogenetic location: 2q31.1.
Variant type: single nucleotide variant.
Coding change: c.*1965A>G on transcript NM_025000.4 (MANE Select); 1965 bases downstream of the stop codon, A replaced by G.
Molecular consequence: 3 prime UTR variant. On other transcripts: non-coding transcript variant (1).
Genome position (GRCh38, 1-based): chr2:171,483,079, A>G. VCF-style: chr2-171483079-A-G. GRCh37 (hg19) VCF-style: chr2-172339589-A-G.
Other names: c.*1965A>G (NM_001164821.2).
Identifiers: ClinVar variation 894138 (VCV000894138.4), dbSNP rs569108215, ClinGen allele CA1965097.